The following is an entry in ClinVar:

ClinVar aggregate classification (germline): Benign/Likely benign. Review status: criteria provided, multiple submitters, no conflicts (2 of 4 stars). 4 submissions from 4 submitters: Benign (2); Likely benign (2). Last evaluated 2026-01-28.

Allele frequency attached by ClinVar (database versions not stated): gnomAD exomes 0.00029 and 0.00059; ExAC 0.00076; 1000 Genomes Project 0.00200; gnomAD 0.00211 and 0.00226; 1000 Genomes Project 30x 0.00219; TOPMed 0.00245; ESP Exome Variant Server 0.00269.
gnomAD v4.1: 781 of 1,612,270 alleles (0.048%); highest among the groups gnomAD compares: African/African-American, 0.76%; 2 homozygotes.

Submissions (4):

Labcorp Genetics (formerly Invitae), Labcorp
Classification: Benign. Last evaluated: 2026-01-28. Review status: criteria provided, single submitter. Criteria: Invitae Variant Classification Sherloc (09022015). Collection method: clinical testing. Allele origin: germline.

CeGaT Center for Human Genetics Tuebingen
Classification: Likely benign. Last evaluated: 2025-12-01. Review status: criteria provided, single submitter. Criteria: CeGaT Center For Human Genetics Tuebingen Variant Classification Criteria Version 2. Collection method: clinical testing. Allele origin: germline. Affected: yes. Observed: 2 variant alleles.
Comment: TBCK: BP4, BP7

Blueprint Genetics
Classification: Likely benign. Last evaluated: 2024-09-13. Review status: criteria provided, single submitter. Criteria: ACMG Guidelines, 2015. Collection method: clinical testing. Allele origin: germline.

Breakthrough Genomics
Classification: Benign. Review status: criteria provided, single submitter. Criteria: ACMG Guidelines, 2015. Collection method: not provided. Allele origin: germline. Inheritance: Autosomal recessive inheritance. Affected: yes.

NM_001163435.3(TBCK):c.1608A>G (p.Val536=)

Gene: TBCK (TBC1 domain containing kinase; minus strand). Cytogenetic location: 4q24.
Variant type: single nucleotide variant.
Coding change: c.1608A>G on transcript NM_001163435.3 (MANE Select); coding-DNA position 1608, A replaced by G.
Protein change: p.Val536=; no amino-acid change (valine 536 retained).
Molecular consequence: synonymous variant.
Genome position (GRCh38, 1-based): chr4:106,232,969, T>C on the plus strand (A>G on the coding strand, the complement: TBCK is on the minus strand). VCF-style: chr4-106232969-T-C. GRCh37 (hg19) VCF-style: chr4-107154126-T-C.
Other names: c.1608A>G, p.Val536= (NM_001163436.4); c.1491A>G, p.Val497= (NM_001163437.3); c.1092A>G, p.Val364= (NM_001290768.2); c.1419A>G, p.Val473= (NM_033115.5).
Identifiers: ClinVar variation 1164727 (VCV001164727.33), dbSNP rs55956749, ClinGen allele CA3035012.